The following is an entry in ClinVar:

ClinVar aggregate classification (germline): Conflicting classifications of pathogenicity. Review status: criteria provided, conflicting classifications (1 of 4 stars). 3 submissions from 3 submitters: Uncertain significance (2); Likely benign (1). Last evaluated 2023-03-23.

Conditions:
Hereditary breast ovarian cancer syndrome. Also called: BRCA1- and BRCA2-Associated Hereditary Breast and Ovarian Cancer; Hereditary breast and ovarian cancer syndrome; Hereditary breast and/or ovarian cancer syndrome; Hereditary breast and ovarian cancer; Hereditary breast and ovarian cancer syndrome (HBOC); Breast and ovarian cancer. Identifiers: Orphanet 145, MedGen C0677776, MeSH D061325, MONDO:0003582. Disease mechanism: loss of function.
Hereditary cancer-predisposing syndrome. Also called: Tumor predisposition; Neoplastic Syndromes, Hereditary; Hereditary Cancer Syndrome; Hereditary neoplastic syndrome. Identifiers: Orphanet 140162, MedGen C0027672, MeSH D009386, MONDO:0015356.

Submissions (3):

University of Washington Department of Laboratory Medicine, University of Washington
Classification: Likely benign for Hereditary cancer-predisposing syndrome. Last evaluated: 2023-03-23. Review status: criteria provided, single submitter. Criteria: Dines et al. (Genet Med. 2020). Collection method: curation. Allele origin: germline.
Comment: Missense variant in a coldspot region where missense variants are very unlikely to be pathogenic (PMID:31911673).

BRCA2 exon 11 coldspot. Reclassification based on statistical prior probability.

Labcorp Genetics (formerly Invitae), Labcorp
Classification: Uncertain significance for Hereditary breast ovarian cancer syndrome. Last evaluated: 2022-07-31. Review status: criteria provided, single submitter. Criteria: Invitae Variant Classification Sherloc (09022015). Collection method: clinical testing. Allele origin: germline.
Comment: Advanced modeling of protein sequence and biophysical properties (such as structural, functional, and spatial information, amino acid conservation, physicochemical variation, residue mobility, and thermodynamic stability) performed at Invitae indicates that this missense variant is not expected to disrupt BRCA2 protein function. In summary, the available evidence is currently insufficient to determine the role of this variant in disease. Therefore, it has been classified as a Variant of Uncertain Significance. ClinVar contains an entry for this variant (Variation ID: 801106). This variant has not been reported in the literature in individuals affected with BRCA2-related conditions. This variant is not present in population databases (gnomAD no frequency). This sequence change replaces leucine, which is neutral and non-polar, with valine, which is neutral and non-polar, at codon 1409 of the BRCA2 protein (p.Leu1409Val).

Quest Diagnostics Nichols Institute San Juan Capistrano
Classification: Uncertain significance. Last evaluated: 2019-01-25. Review status: criteria provided, single submitter. Criteria: Quest Diagnostics criteria. Collection method: clinical testing. Allele origin: germline.

NM_000059.4(BRCA2):c.4225T>G (p.Leu1409Val)

Gene: BRCA2 (BRCA2 DNA repair associated; plus strand). Cytogenetic location: 13q13.1.
Variant type: single nucleotide variant.
Coding change: c.4225T>G on transcript NM_000059.4 (MANE Select); coding-DNA position 4225, T replaced by G.
Protein change: p.Leu1409Val; replaces leucine 1409 with valine.
Molecular consequence: missense variant.
Genome position (GRCh38, 1-based): chr13:32,338,580, T>G. VCF-style: chr13-32338580-T-G. GRCh37 (hg19) VCF-style: chr13-32912717-T-G.
Other names: short protein forms L1409V.
Identifiers: ClinVar variation 801106 (VCV000801106.8), dbSNP rs1593901749, ClinGen allele CA387780328.